The following is an entry in ClinVar:

ClinVar aggregate classification (germline): Pathogenic/Likely pathogenic. Review status: criteria provided, multiple submitters, no conflicts (2 of 4 stars). 7 submissions from 7 submitters: Pathogenic (2); Likely pathogenic (3). 2 of the submissions do not count toward it. Last evaluated 2026-01-27.

Conditions:
Vici syndrome (VICIS). Identifiers: Orphanet 1493, MedGen C1855772, MONDO:0009452, OMIM 242840.

Allele frequency attached by ClinVar (database versions not stated): ExAC 0.00002; gnomAD 0.00002; TOPMed 0.00002; gnomAD exomes 0.00007.
gnomAD v4.1: 45 of 1,594,914 alleles (0.0028%); highest among the groups gnomAD compares: Non-Finnish European, 0.00094%; no homozygotes.

Submissions (7):

Labcorp Genetics (formerly Invitae), Labcorp
Classification: Pathogenic for Vici syndrome. Last evaluated: 2026-01-27. Review status: criteria provided, single submitter. Criteria: Invitae Variant Classification Sherloc (09022015). Collection method: clinical testing. Allele origin: germline.
Comment: This sequence change replaces glutamine, which is neutral and polar, with arginine, which is basic and polar, at codon 336 of the EPG5 protein (p.Gln336Arg). RNA analysis indicates that this missense change induces altered splicing and may result in an absent or altered protein product. This variant is present in population databases (rs201757275, gnomAD 0.2%). This missense change has been observed in individuals with Vici syndrome (PMID: 26917586, 31184778; internal data). It has also been observed to segregate with disease in related individuals. ClinVar contains an entry for this variant (Variation ID: 192333). An algorithm developed to predict the effect of missense changes on protein structure and function (PolyPhen-2) suggests that this variant is likely to be disruptive. Studies have shown that this missense change results in partial intron inclusion, and produces a non-functional protein and/or introduces a premature termination codon (PMID: 27343256). For these reasons, this variant has been classified as Pathogenic.

GeneDx
Classification: Pathogenic. Last evaluated: 2025-02-18. Review status: criteria provided, single submitter. Criteria: GeneDx Variant Classification Process June 2021. Collection method: clinical testing. Allele origin: germline. Affected: yes.
Comment: Published functional studies demonstrate abnormal mRNA splicing (PMID: 27343256); In silico analysis supports that this missense variant does not alter protein structure/function; This variant is associated with the following publications: (PMID: 23222957, 27343256, 26482670, 34580403, 35700637, 36204321, 31184778, 33674710, 26917586, 36228046, 36410285, 37936199, 39342484, 38841323)

Department of Pathology and Laboratory Medicine, Sinai Health System
Classification: Likely pathogenic for Vici syndrome. Last evaluated: 2022-04-26. Review status: criteria provided, single submitter. Criteria: ACMG Guidelines, 2015. Collection method: research. Allele origin: germline.

New York Genome Center
Classification: Likely pathogenic for Vici syndrome. Last evaluated: 2021-03-27. Review status: criteria provided, single submitter. Criteria: NYGC Assertion Criteria 2020. Collection method: clinical testing. Allele origin: germline. Observed: 1 heterozygote. Study: CSER-NYCKidSeq.

SIB Swiss Institute of Bioinformatics
Classification: Likely pathogenic for Vici syndrome. Last evaluated: 2019-01-17. Review status: criteria provided, single submitter. Criteria: ACMG Guidelines, 2015. Collection method: curation. Allele origin: unknown.
Comment: This variant is interpreted as a Likely pathogenic for Vici syndrome, autosomal recessive. The following ACMG Tag(s) were applied: PM2 => Absent from controls (or at extremely low frequency if recessive) in Exome Sequencing Project, 1000 Genomes Project, or Exome Aggregation Consortium. PS3 => Well-established functional studies show a deleterious effect (PMID:27343256). PP3 => Multiple lines of computational evidence support a deleterious effect on the gene or gene product.

ClinGen:CA302650

OMIM
Classification: Pathogenic for VICI SYNDROME. Last evaluated: 2026-02-19. Review status: no assertion criteria provided. Collection method: literature only. Allele origin: germline. Not counted in ClinVar's aggregate classification.

Pediatric Genetics Clinic, Sheba Medical Center
Classification: Pathogenic for Vici syndrome. Last evaluated: 2021-05-13. Review status: no assertion criteria provided. Collection method: clinical testing. Allele origin: inherited. Affected: yes. Observed: 1 homozygote. Not counted in ClinVar's aggregate classification.

Literature cited by the submitters: PubMed 26917586 (cited by 3 submitters); PubMed 31184778 (cited by Labcorp Genetics (formerly Invitae), Labcorp); PubMed 27343256 (cited by 3 submitters); PubMed 23222957 (cited by SIB Swiss Institute of Bioinformatics); PubMed 41053928 (cited by OMIM); Hamosh, A. Personal Communication. 2026. Baltimore, Md. (cited by OMIM).

NM_020964.3(EPG5):c.1007A>G (p.Gln336Arg)

Gene: EPG5 (ectopic P-granules 5 autophagy tethering factor; minus strand). Cytogenetic location: 18q21.1.
Variant type: single nucleotide variant.
Coding change: c.1007A>G on transcript NM_020964.3 (MANE Select); coding-DNA position 1007, A replaced by G.
Protein change: p.Gln336Arg; replaces glutamine 336 with arginine.
Molecular consequence: missense variant.
Genome position (GRCh38, 1-based): chr18:45,954,395, T>C on the plus strand (A>G on the coding strand, the complement: EPG5 is on the minus strand). VCF-style: chr18-45954395-T-C. GRCh37 (hg19) VCF-style: chr18-43534361-T-C.
Other names: c.1007A>G, p.Gln336Arg (LRG_1234t1); short protein forms Q336R.
Identifiers: ClinVar variation 192333 (VCV000192333.17), dbSNP rs201757275, ClinGen allele CA302650.
Genomic context (GRCh38, chr18:45,954,395, plus strand): 5'-GACAACATCCCAGGAATAGCAGCTCCGCTGCAAATTCCCCAGGCTTCTGATCAAAATACC[T>C]GTACAGACATTTGTTCCTCCTTAAACTGCCACAGCCGACTTTTAGCATTTTGGCAATCAG-3'
Protein context (NP_066015.2, residues 326-346): WQFKEEQMSV[Gln336Arg]GICADQVKVF